The following is an entry in ClinVar:

NM_000057.4(BLM):c.925A>G (p.Ile309Val)

Gene: BLM (BLM RecQ like helicase; plus strand). Cytogenetic location: 15q26.1.
Variant type: single nucleotide variant.
Coding change: c.925A>G on transcript NM_000057.4 (MANE Select); coding-DNA position 925, A replaced by G.
Protein change: p.Ile309Val; replaces isoleucine 309 with valine.
Molecular consequence: missense variant. On other transcripts: 5 prime UTR variant (1).
Genome position (GRCh38, 1-based): chr15:90,751,912, A>G. VCF-style: chr15-90751912-A-G. GRCh37 (hg19) VCF-style: chr15-91295142-A-G.
Other names: c.925A>G, p.Ile309Val (NM_001287246.2, NM_001287247.2); c.-367A>G (NM_001287248.2); short protein forms I309V.
Identifiers: ClinVar variation 1935328 (VCV001935328.7), dbSNP rs1895697273, ClinGen allele CA393841895.
Genomic context (GRCh38, chr15:90,751,912, plus strand): 5'-ATTGAATTTGATGATGATGATTATGATACGGATTTTGTTCCACCTTCTCCAGAAGAAATT[A>G]TTTCTGCTTCTTCTTCCTCTTCAAAATGCCTTAGGTAAACTAGCTAAATAATTAGCATTA-3'
Protein context (NP_000048.1, residues 299-319): DFVPPSPEEI[Ile309Val]SASSSSSKCL

ClinVar aggregate classification (germline): Uncertain significance. Review status: criteria provided, multiple submitters, no conflicts (2 of 4 stars). 2 submissions from 2 submitters: Uncertain significance (2). Last evaluated 2025-06-23.

Conditions:
Hereditary cancer-predisposing syndrome. Also called: Neoplastic Syndromes, Hereditary; Hereditary Cancer Syndrome; Tumor predisposition; Hereditary neoplastic syndrome. Identifiers: Orphanet 140162, MedGen C0027672, MeSH D009386, MONDO:0015356.
Bloom syndrome (BLM). Also called: Bloom-Torre-Machacek syndrome. Identifiers: Orphanet 125, MedGen C0005859, MONDO:0008876, OMIM 210900.

Allele frequency attached by ClinVar (database versions not stated): gnomAD exomes below 0.00001; gnomAD 0.00001.
gnomAD v4.1: 2 of 1,612,852 alleles (0.00012%); highest among the groups gnomAD compares: Admixed American, 0.0017%; no homozygotes.

Submissions (2):

Ambry Genetics
Classification: Uncertain significance for Hereditary cancer-predisposing syndrome. Last evaluated: 2025-06-23. Review status: criteria provided, single submitter. Criteria: Ambry Variant Classification Scheme 2023. Collection method: clinical testing. Allele origin: germline.
Comment: The p.I309V variant (also known as c.925A>G), located in coding exon 3 of the BLM gene, results from an A to G substitution at nucleotide position 925. The isoleucine at codon 309 is replaced by valine, an amino acid with highly similar properties. This amino acid position is conserved. In addition, this alteration is predicted to be tolerated by in silico analysis. Since supporting evidence is limited at this time, the clinical significance of this alteration remains unclear.

Labcorp Genetics (formerly Invitae), Labcorp
Classification: Uncertain significance for Bloom syndrome. Last evaluated: 2022-09-23. Review status: criteria provided, single submitter. Criteria: Invitae Variant Classification Sherloc (09022015). Collection method: clinical testing. Allele origin: germline.
Comment: This sequence change replaces isoleucine, which is neutral and non-polar, with valine, which is neutral and non-polar, at codon 309 of the BLM protein (p.Ile309Val). This variant is not present in population databases (gnomAD no frequency). This variant has not been reported in the literature in individuals affected with BLM-related conditions. Advanced modeling of protein sequence and biophysical properties (such as structural, functional, and spatial information, amino acid conservation, physicochemical variation, residue mobility, and thermodynamic stability) performed at Invitae indicates that this missense variant is not expected to disrupt BLM protein function. In summary, the available evidence is currently insufficient to determine the role of this variant in disease. Therefore, it has been classified as a Variant of Uncertain Significance.